The following is an entry in ClinVar:

NM_001384140.1(PCDH15):c.787C>T (p.Pro263Ser)

Gene: PCDH15 (protocadherin related 15; minus strand). Cytogenetic location: 10q21.1.
Variant type: single nucleotide variant.
Coding change: c.787C>T on transcript NM_001384140.1 (MANE Select); coding-DNA position 787, C replaced by T.
Protein change: p.Pro263Ser; replaces proline 263 with serine.
Molecular consequence: missense variant.
Genome position (GRCh38, 1-based): chr10:54,317,360, G>A on the plus strand (C>T on the coding strand, the complement: PCDH15 is on the minus strand). VCF-style: chr10-54317360-G-A. GRCh37 (hg19) VCF-style: chr10-56077120-G-A.
Other names: c.802C>T, p.Pro268Ser (NM_001142763.2, NM_001142769.4, NM_001142771.2); c.787C>T, p.Pro263Ser (NM_001142764.2, NM_001142765.2, NM_001142766.2 and 7 more transcripts); c.676C>T, p.Pro226Ser (NM_001142767.2); c.721C>T, p.Pro241Ser (NM_001142768.2, NM_001142773.2, NM_001354404.2); short protein forms P241S, P226S, P263S, P268S.
Identifiers: ClinVar variation 1479055 (VCV001479055.6), dbSNP rs2133651169, ClinGen allele CA376540938.
Genomic context (GRCh38, chr10:54,317,360, plus strand): 5'-GATAAGTGAGTGGACGGCAATCACGAGTGTTTGGCACAAGGACACAAGGAAGAAACATTG[G>A]ACCCAAGTCATCTCCATCCAGAACATCCACTGTGAGAGTGGTGGTGGTGGTTCGCCTCTC-3'
Protein context (NP_001371069.1, residues 253-273): VDVLDGDDLG[Pro263Ser]MFLPCVLVPN

ClinVar aggregate classification (germline): Uncertain significance (1 of 4 stars; one submission).

Submission:

Labcorp Genetics (formerly Invitae), Labcorp
Classification: Uncertain significance. Last evaluated: 2021-08-24. Review status: criteria provided, single submitter. Criteria: Invitae Variant Classification Sherloc (09022015). Collection method: clinical testing. Allele origin: germline.
Comment: This sequence change replaces proline with serine at codon 263 of the PCDH15 protein (p.Pro263Ser). The proline residue is highly conserved and there is a moderate physicochemical difference between proline and serine. This variant is not present in population databases (ExAC no frequency). This variant has not been reported in the literature in individuals affected with PCDH15-related conditions. Algorithms developed to predict the effect of missense changes on protein structure and function are either unavailable or do not agree on the potential impact of this missense change (SIFT: "Deleterious"; PolyPhen-2: "Probably Damaging"; Align-GVGD: "Class C0"). In summary, the available evidence is currently insufficient to determine the role of this variant in disease. Therefore, it has been classified as a Variant of Uncertain Significance.